The following is an entry in ClinVar:

NM_002025.4(AFF2):c.443T>G (p.Leu148Arg)

Gene: AFF2 (ALF transcription elongation factor 2; plus strand). Cytogenetic location: Xq28.
Variant type: single nucleotide variant.
Coding change: c.443T>G on transcript NM_002025.4 (MANE Select); coding-DNA position 443, T replaced by G.
Protein change: p.Leu148Arg; replaces leucine 148 with arginine.
Molecular consequence: missense variant.
Genome position (GRCh38, 1-based): chrX:148,662,170, T>G. VCF-style: chrX-148662170-T-G. GRCh37 (hg19) VCF-style: chrX-147743691-T-G.
Other names: c.431T>G, p.Leu144Arg (NM_001169122.2, NM_001169123.2, NM_001169125.2); c.443T>G, p.Leu148Arg (NM_001169124.2); short protein forms L144R, L148R.
Identifiers: ClinVar variation 1312972 (VCV001312972.2), dbSNP rs912241826, ClinGen allele CA414509096.

ClinVar aggregate classification (germline): Uncertain significance (1 of 4 stars; one submission).

Allele frequency attached by ClinVar (database versions not stated): gnomAD exomes below 0.00001; TOPMed below 0.00001; gnomAD 0.00001.
gnomAD v4.1: 2 of 1,209,010 alleles (0.00017%); highest among the groups gnomAD compares: Non-Finnish European, 0.00022%; no homozygotes.

Submission:

GeneDx
Classification: Uncertain significance. Last evaluated: 2020-07-08. Review status: criteria provided, single submitter. Criteria: GeneDx Variant Classification Process June 2021. Collection method: clinical testing. Allele origin: germline. Affected: yes.
Comment: Not observed in large population cohorts (Lek et al., 2016); In silico analysis supports that this missense variant does not alter protein structure/function; Has not been previously published as pathogenic or benign to our knowledge